The following is an entry in ClinVar:

ClinVar aggregate classification (germline): Uncertain significance (1 of 4 stars; one submission).

Conditions:
Rubinstein-Taybi syndrome (RSTS). Identifiers: Orphanet 783, MedGen C0035934, MONDO:0019188.

Submission:

Labcorp Genetics (formerly Invitae), Labcorp
Classification: Uncertain significance for Rubinstein-Taybi syndrome. Last evaluated: 2024-10-11. Review status: criteria provided, single submitter. Criteria: Invitae Variant Classification Sherloc (09022015). Collection method: clinical testing. Allele origin: germline.
Comment: This sequence change replaces lysine, which is basic and polar, with glutamic acid, which is acidic and polar, at codon 1495 of the CREBBP protein (p.Lys1495Glu). This variant is not present in population databases (gnomAD no frequency). This missense change has been observed in individual(s) with Rubinstein–Taybi syndrome (internal data). Invitae Evidence Modeling of protein sequence and biophysical properties (such as structural, functional, and spatial information, amino acid conservation, physicochemical variation, residue mobility, and thermodynamic stability) indicates that this missense variant is expected to disrupt CREBBP protein function with a positive predictive value of 80%. In summary, the available evidence is currently insufficient to determine the role of this variant in disease. Therefore, it has been classified as a Variant of Uncertain Significance.

NM_004380.3(CREBBP):c.4483A>G (p.Lys1495Glu)

Gene: CREBBP (CREB binding lysine acetyltransferase; minus strand). Cytogenetic location: 16p13.3.
Variant type: single nucleotide variant.
Coding change: c.4483A>G on transcript NM_004380.3 (MANE Select); coding-DNA position 4483, A replaced by G.
Protein change: p.Lys1495Glu; replaces lysine 1495 with glutamic acid.
Molecular consequence: missense variant.
Genome position (GRCh38, 1-based): chr16:3,736,727, T>C on the plus strand (A>G on the coding strand, the complement: CREBBP is on the minus strand). VCF-style: chr16-3736727-T-C. GRCh37 (hg19) VCF-style: chr16-3786728-T-C.
Other names: c.4369A>G, p.Lys1457Glu (NM_001079846.1); short protein forms K1457E, K1495E.
Identifiers: ClinVar variation 3655579 (VCV003655579.2).
Genomic context (GRCh38, chr16:3,736,727, plus strand): 5'-TCCGCTCTGCAAACGCCTTGTCCAGCATCTTTTTGTACCACTCCTGCAGTCGTTTTGGCT[T>C]GGGTATTTTTTGATCAGGTGGGTGGCAATGGAAGATGTAATCATCTCCTTCACTTGGAGG-3'
Protein context (NP_004371.2, residues 1485-1505): HCHPPDQKIP[Lys1495Glu]PKRLQEWYKK